The following is an entry in ClinVar:

ClinVar aggregate classification (germline): Uncertain significance (1 of 4 stars; one submission).

Submission:

Women's Health and Genetics/Laboratory Corporation of America, LabCorp
Classification: Uncertain significance. Last evaluated: 2024-09-09. Review status: criteria provided, single submitter. Criteria: LabCorp Variant Classification Summary - May 2015. Collection method: clinical testing. Allele origin: germline.
Comment: Variant summary: The variant involves the deletion of exons 6-11 in the SMAD2 gene. A presumed nomenclature of c.(655+1_656-1)_(*32871_?)del has been designated for the purposes of this classification. The exact breakpoint at the distal 3' end of this variant is unknown, therefore this deletion may extend downstream of the annotated region of the gene. As it encompasses the termination codon, it is predicted to escape nonsense mediated decay (NMD). The variant allele was absent from 21658 control chromosomes. The available data on variant occurrences in the general population are insufficient to allow any conclusion about variant significance. To our knowledge, no occurrence of c.(655+1_656-1)_(*32871_?)del in individuals affected with Loeys-Dietz Syndrome and no experimental evidence demonstrating its impact on protein function have been reported. One submitter cited clinical-significance assessments in ClinVar (2425435) for an alternate variant resulting in exon 8-11 deletion. Based on the evidence outlined above, the variant was classified as uncertain significance.

NC_000018.9:g.(?_45335327)_(45391505_45394693)del

Gene: SMAD2 (SMAD family member 2; minus strand). Cytogenetic location: 18q21.1.
Variant type: Deletion.
Identifiers: ClinVar variation 3374980 (VCV003374980.1).